The following is an entry in ClinVar:

NM_001042492.3(NF1):c.2518A>G (p.Met840Val)

Gene: NF1 (neurofibromin 1; plus strand). Cytogenetic location: 17q11.2.
Variant type: single nucleotide variant.
Coding change: c.2518A>G on transcript NM_001042492.3 (MANE Select); coding-DNA position 2518, A replaced by G.
Protein change: p.Met840Val; replaces methionine 840 with valine.
Molecular consequence: missense variant.
Genome position (GRCh38, 1-based): chr17:31,229,133, A>G. VCF-style: chr17-31229133-A-G. GRCh37 (hg19) VCF-style: chr17-29556151-A-G.
Other names: c.2518A>G, p.Met840Val (NM_000267.4); short protein forms M840V.
Identifiers: ClinVar variation 561788 (VCV000561788.13), dbSNP rs779931789, ClinGen allele CA398984161.

ClinVar aggregate classification (germline): Uncertain significance. Review status: criteria provided, multiple submitters, no conflicts (2 of 4 stars). 5 submissions from 5 submitters: Uncertain significance (5). Last evaluated 2025-06-26.

Conditions:
Neurofibromatosis, type 1 (NF1). Also called: VON RECKLINGHAUSEN DISEASE; NEUROFIBROMATOSIS, TYPE I, SOMATIC; Peripheral type neurofibromatosis; Neurofibromatosis, type I. Identifiers: Orphanet 636, MedGen C0027831, MONDO:0018975, OMIM 162200. Disease mechanism: loss of function.
Hereditary cancer-predisposing syndrome. Also called: Neoplastic Syndromes, Hereditary; Tumor predisposition; Hereditary Cancer Syndrome; Hereditary neoplastic syndrome. Identifiers: Orphanet 140162, MedGen C0027672, MeSH D009386, MONDO:0015356.
Cardiovascular phenotype. Identifiers: MedGen CN230736.
Juvenile myelomonocytic leukemia (JMML). Also called: LEUKEMIA, JUVENILE MYELOMONOCYTIC, SOMATIC. Identifiers: Orphanet 86834, MedGen C0349639, MONDO:0011908, OMIM 607785, HP:0012209.

Submissions (5):

GeneDx
Classification: Uncertain significance. Last evaluated: 2025-06-26. Review status: criteria provided, single submitter. Criteria: GeneDx Variant Classification Process June 2021. Collection method: clinical testing. Allele origin: germline. Affected: yes.
Comment: Not observed at significant frequency in large population cohorts (gnomAD); In silico analysis supports that this missense variant has a deleterious effect on protein structure/function; Has not been previously published as pathogenic or benign to our knowledge; This variant is associated with the following publications: (PMID: 25486365, 2121369)

Baylor Genetics
Classification: Uncertain significance for Juvenile myelomonocytic leukemia. Last evaluated: 2023-06-23. Review status: criteria provided, single submitter. Criteria: ACMG Guidelines, 2015. Collection method: clinical testing. Allele origin: unknown.

Genome-Nilou Lab
Classification: Uncertain significance for Neurofibromatosis, type 1. Last evaluated: 2022-03-15. Review status: criteria provided, single submitter. Criteria: ACMG Guidelines, 2015. Collection method: clinical testing. Allele origin: germline. Affected: no.

Ambry Genetics
Classification: Uncertain significance for Cardiovascular phenotype; Hereditary cancer-predisposing syndrome. Last evaluated: 2022-02-02. Review status: criteria provided, single submitter. Criteria: Ambry Variant Classification Scheme 2023. Collection method: clinical testing. Allele origin: germline.
Comment: The p.M840V variant (also known as c.2518A>G), located in coding exon 21 of the NF1 gene, results from an A to G substitution at nucleotide position 2518. The methionine at codon 840 is replaced by valine, an amino acid with highly similar properties. This amino acid position is conserved. In addition, this alteration is predicted to be deleterious by in silico analysis. Since supporting evidence is limited at this time, the clinical significance of this alteration remains unclear.

Labcorp Genetics (formerly Invitae), Labcorp
Classification: Uncertain significance for Neurofibromatosis, type 1. Last evaluated: 2019-03-06. Review status: criteria provided, single submitter. Criteria: Invitae Variant Classification Sherloc (09022015). Collection method: clinical testing. Allele origin: germline.
Comment: In summary, the available evidence is currently insufficient to determine the role of this variant in disease. Therefore, it has been classified as a Variant of Uncertain Significance. Algorithms developed to predict the effect of sequence changes on RNA splicing suggest that this variant may create or strengthen a splice site, but this prediction has not been confirmed by published transcriptional studies. Algorithms developed to predict the effect of missense changes on protein structure and function are either unavailable or do not agree on the potential impact of this missense change (SIFT: "Deleterious"; PolyPhen-2: "Possibly Damaging"; Align-GVGD: "Class C0"). This variant has not been reported in the literature in individuals with NF1-related conditions. ClinVar contains an entry for this variant (Variation ID: 561788). This variant is not present in population databases (ExAC no frequency). This sequence change replaces methionine with valine at codon 840 of the NF1 protein (p.Met840Val). The methionine residue is moderately conserved and there is a small physicochemical difference between methionine and valine.